The following is an entry in ClinVar:

ClinVar aggregate classification (germline): Uncertain significance (1 of 4 stars; one submission).

gnomAD v4.1: 1 of 1,607,240 alleles (0.000062%); highest among the groups gnomAD compares: Admixed American, 0.0017%; no homozygotes.

Submission:

Labcorp Genetics (formerly Invitae), Labcorp
Classification: Uncertain significance. Last evaluated: 2025-04-07. Review status: criteria provided, single submitter. Criteria: Invitae Variant Classification Sherloc (09022015). Collection method: clinical testing. Allele origin: germline.
Comment: This sequence change replaces aspartic acid, which is acidic and polar, with valine, which is neutral and non-polar, at codon 749 of the FBXO11 protein (p.Asp749Val). The frequency data for this variant in the population databases is considered unreliable, as metrics indicate poor data quality at this position in the gnomAD database. This variant has not been reported in the literature in individuals affected with FBXO11-related conditions. An algorithm developed to predict the effect of missense changes on protein structure and function (PolyPhen-2) suggests that this variant is likely to be disruptive. In summary, the available evidence is currently insufficient to determine the role of this variant in disease. Therefore, it has been classified as a Variant of Uncertain Significance.

NM_001190274.2(FBXO11):c.2246A>T (p.Asp749Val)

Gene: FBXO11 (F-box protein 11; minus strand). Cytogenetic location: 2p16.3.
Variant type: single nucleotide variant.
Coding change: c.2246A>T on transcript NM_001190274.2 (MANE Select); coding-DNA position 2246, A replaced by T.
Protein change: p.Asp749Val; replaces aspartic acid 749 with valine.
Molecular consequence: missense variant.
Genome position (GRCh38, 1-based): chr2:47,810,408, T>A on the plus strand (A>T on the coding strand, the complement: FBXO11 is on the minus strand). VCF-style: chr2-47810408-T-A. GRCh37 (hg19) VCF-style: chr2-48037547-T-A.
Other names: c.1994A>T, p.Asp665Val (NM_001374325.1, NM_025133.4); short protein forms D665V, D749V.
Identifiers: ClinVar variation 4807373 (VCV004807373.1).
Genomic context (GRCh38, chr2:47,810,408, plus strand): 5'-CTTAAGATTGGATGACTATTAGTGCTGATGAGAACACCTGCTTGAGCATTCCTGAAAATA[T>A]CATTTTCTTCAAGGAGACCTATAATAAAATATTTCCTTAGATTAAGGCTAATGCATATAA-3'
Protein context (NP_001177203.1, residues 739-759): NGGRGLLEEN[Asp749Val]IFRNAQAGVL